The following is an entry in ClinVar:

ClinVar aggregate classification (germline): Benign (1 of 4 stars; one submission).

Conditions:
Pyruvate dehydrogenase E1-alpha deficiency (PDHAD). Also called: ATAXIA, INTERMITTENT, WITH PYRUVATE DEHYDROGENASE DEFICIENCY; ATAXIA WITH LACTIC ACIDOSIS I; ATAXIA, INTERMITTENT, WITH ABNORMAL PYRUVATE METABOLISM; Ataxia, intermittent, with pyruvate dehydrogenase, or decarboxylase, deficiency. Identifiers: Orphanet 79243, MedGen C1839413, MONDO:0010717, OMIM 312170.

Allele frequency attached by ClinVar (database versions not stated): 1000 Genomes Project 0.00132; 1000 Genomes Project 30x 0.00166; TOPMed 0.00268.
gnomAD v4.1: 566 of 148,505 alleles (0.38%); highest among the groups gnomAD compares: Non-Finnish European, 0.53%; 1 homozygote.

Submission:

Illumina Laboratory Services, Illumina
Classification: Benign for Pyruvate dehydrogenase E1-alpha deficiency. Last evaluated: 2018-01-13. Review status: criteria provided, single submitter. Criteria: ICSL Variant Classification Criteria 13 December 2019. Collection method: clinical testing. Allele origin: germline.
Comment: This variant was observed in the ICSL laboratory as part of a predisposition screen in an ostensibly healthy population. It had not been previously curated by ICSL or reported in the Human Gene Mutation Database (HGMD: prior to June 1st, 2018), and was therefore a candidate for classification through an automated scoring system. Utilizing variant allele frequency, disease prevalence and penetrance estimates, and inheritance mode, an automated score was calculated to assess if this variant is too frequent to cause the disease. Based on the score and internal cut-off values, a variant classified as benign is not then subjected to further curation. The score for this variant resulted in a classification of benign for this disease.

NM_000284.4(PDHA1):c.*525C>G

Genes: PDHA1 (pyruvate dehydrogenase E1 subunit alpha 1; plus strand), MAP3K15 (mitogen-activated protein kinase kinase kinase 15; minus strand). Cytogenetic location: Xp22.12.
Variant type: single nucleotide variant.
Coding change: c.*525C>G on transcript NM_000284.4 (MANE Select); 525 bases downstream of the stop codon, C replaced by G.
Molecular consequence: 3 prime UTR variant.
Genome position (GRCh38, 1-based): chrX:19,360,178, C>G. VCF-style: chrX-19360178-C-G. GRCh37 (hg19) VCF-style: chrX-19378296-C-G.
Other names: c.*571G>C (NM_001001671.4); c.*525C>G (NM_001173454.2, NM_001173455.2, NM_001173456.2).
Identifiers: ClinVar variation 913343 (VCV000913343.4), dbSNP rs778207227, ClinGen allele CA327032042.
Genomic context (GRCh38, chrX:19,360,178, plus strand): 5'-TGTAATCATTCCAATTTTGTAATCATTTCAAAGGCCACATAACTTAGTTTTCTCTACTTA[C>G]ACATTCAGTATAAATATGAAGCTATTTTCTGTTCATATCAAACATTAACTACAAGGCACA-3'